The following is an entry in ClinVar:

ClinVar aggregate classification (germline): Pathogenic (1 of 4 stars; one submission).

Conditions:
Marfan syndrome (MFS). Also called: FBN1-Related Marfan Syndrome; MARFAN SYNDROME, TYPE I; Marfan syndrome type 1; Marfan's syndrome; Marfan syndrome, classic. Identifiers: Orphanet 284963, Orphanet 558, MedGen C0024796, MONDO:0007947, OMIM 154700.
Familial thoracic aortic aneurysm and aortic dissection (TAAD). Also called: Thoracic aortic aneurysms and dissections. Identifiers: Orphanet 91387, MedGen C4707243, MONDO:0019625.

Submission:

Labcorp Genetics (formerly Invitae), Labcorp
Classification: Pathogenic for Marfan syndrome; Familial thoracic aortic aneurysm and aortic dissection. Last evaluated: 2025-07-27. Review status: criteria provided, single submitter. Criteria: Invitae Variant Classification Sherloc (09022015). Collection method: clinical testing. Allele origin: germline.
Comment: This sequence change creates a premature translational stop signal (p.Gly2555Aspfs*127) in the FBN1 gene. It is expected to result in an absent or disrupted protein product. Loss-of-function variants in FBN1 are known to be pathogenic (PMID: 17657824, 19293843). This variant is not present in population databases (gnomAD no frequency). This premature translational stop signal has been observed in individual(s) with Marfan syndrome (PMID: 34916231). For these reasons, this variant has been classified as Pathogenic.

Literature cited by the submitters: PubMed 17657824; PubMed 19293843; PubMed 34916231.

NM_000138.5(FBN1):c.7664del (p.Gly2555fs)

Gene: FBN1 (fibrillin 1; minus strand). Cytogenetic location: 15q21.1.
Variant type: Deletion.
Coding change: c.7664del on transcript NM_000138.5 (MANE Select); coding-DNA position 7664, one base deleted (G; older notation c.7664delG).
Protein change: p.Gly2555fs; shifts the reading frame from glycine 2555.
Molecular consequence: frameshift variant.
Genome position (GRCh38, 1-based): chr15:48,421,593, C deleted on the plus strand (G on the coding strand, the reverse complement: FBN1 is on the minus strand); the first of 4 consecutive C bases (chr15:48,421,593-48,421,596); deleting any one gives the same sequence. VCF-style (leftmost placement, unchanged base first): chr15-48421592-TC-T. GRCh37 (hg19) VCF-style: chr15-48713789-TC-T.
Other names: c.7664del, p.Gly2555fs (NM_001406716.1); short protein forms G2555fs.
Identifiers: ClinVar variation 4783875 (VCV004783875.1).
Genomic context (GRCh38, chr15:48,421,592, plus strand): 5'-GGATCGCAGCTGAAGTCTCCACCCACCTTCACAGCTGGAGCCGGTCTGATCAAGTGAGAA[TC>T]CCCGCTGGCATTCACAGGTGAAGCTTCCAGGAGTGTTCTGGCAAATGCCCTTAGACCCGC-3'